The following is an entry in ClinVar:

ClinVar aggregate classification (germline): Uncertain significance (1 of 4 stars; one submission).

Submission:

Labcorp Genetics (formerly Invitae), Labcorp
Classification: Uncertain significance. Last evaluated: 2022-04-11. Review status: criteria provided, single submitter. Criteria: Invitae Variant Classification Sherloc (09022015). Collection method: clinical testing. Allele origin: germline.
Comment: In summary, the available evidence is currently insufficient to determine the role of this variant in disease. Therefore, it has been classified as a Variant of Uncertain Significance. Advanced modeling of protein sequence and biophysical properties (such as structural, functional, and spatial information, amino acid conservation, physicochemical variation, residue mobility, and thermodynamic stability) performed at Invitae indicates that this missense variant is not expected to disrupt ABCA1 protein function. This variant has not been reported in the literature in individuals affected with ABCA1-related conditions. This variant is not present in population databases (gnomAD no frequency). This sequence change replaces glutamic acid, which is acidic and polar, with lysine, which is basic and polar, at codon 529 of the ABCA1 protein (p.Glu529Lys).

NM_005502.4(ABCA1):c.1585G>A (p.Glu529Lys)

Gene: ABCA1 (ATP binding cassette subfamily A member 1; minus strand). Cytogenetic location: 9q31.1.
Variant type: single nucleotide variant.
Coding change: c.1585G>A on transcript NM_005502.4 (MANE Select); coding-DNA position 1585, G replaced by A.
Protein change: p.Glu529Lys; replaces glutamic acid 529 with lysine.
Molecular consequence: missense variant.
Genome position (GRCh38, 1-based): chr9:104,831,752, C>T on the plus strand (G>A on the coding strand, the complement: ABCA1 is on the minus strand). VCF-style: chr9-104831752-C-T. GRCh37 (hg19) VCF-style: chr9-107594033-C-T.
Other names: short protein forms E529K.
Identifiers: ClinVar variation 2068252 (VCV002068252.4), dbSNP rs1339216801, ClinGen allele CA374324901.